The following is an entry in ClinVar:

ClinVar aggregate classification (germline): Uncertain significance (1 of 4 stars; one submission).

Submission:

Labcorp Genetics (formerly Invitae), Labcorp
Classification: Uncertain significance. Last evaluated: 2023-09-08. Review status: criteria provided, single submitter. Criteria: Invitae Variant Classification Sherloc (09022015). Collection method: clinical testing. Allele origin: germline.
Comment: This variant is not present in population databases (gnomAD no frequency). This sequence change replaces threonine, which is neutral and polar, with isoleucine, which is neutral and non-polar, at codon 2162 of the LRP2 protein (p.Thr2162Ile). In summary, the available evidence is currently insufficient to determine the role of this variant in disease. Therefore, it has been classified as a Variant of Uncertain Significance. Advanced modeling of protein sequence and biophysical properties (such as structural, functional, and spatial information, amino acid conservation, physicochemical variation, residue mobility, and thermodynamic stability) performed at Invitae indicates that this missense variant is not expected to disrupt LRP2 protein function. This variant has not been reported in the literature in individuals affected with LRP2-related conditions.

NM_004525.3(LRP2):c.6485C>T (p.Thr2162Ile)

Gene: LRP2 (LDL receptor related protein 2; minus strand). Cytogenetic location: 2q31.1.
Variant type: single nucleotide variant.
Coding change: c.6485C>T on transcript NM_004525.3 (MANE Select); coding-DNA position 6485, C replaced by T.
Protein change: p.Thr2162Ile; replaces threonine 2162 with isoleucine.
Molecular consequence: missense variant.
Genome position (GRCh38, 1-based): chr2:169,207,235, G>A on the plus strand (C>T on the coding strand, the complement: LRP2 is on the minus strand). VCF-style: chr2-169207235-G-A. GRCh37 (hg19) VCF-style: chr2-170063745-G-A.
Other names: short protein forms T2162I.
Identifiers: ClinVar variation 2758865 (VCV002758865.3), dbSNP rs2545811232, ClinGen allele CA349127357.